The following is an entry in ClinVar:

ClinVar aggregate classification (germline): Conflicting classifications of pathogenicity. Review status: criteria provided, conflicting classifications (1 of 4 stars). 5 submissions from 5 submitters: Uncertain significance (1); Benign (1); Likely benign (3). Last evaluated 2026-07-25.

Conditions:
Kabuki syndrome. Also called: Kabuki make-up syndrome; NIIKAWA-KUROKI SYNDROME. Identifiers: Orphanet 2322, MedGen C0796004, MONDO:0016512.
KMT2D-related disorder. Also called: KMT2D-Related Disorders.

Allele frequency attached by ClinVar (database versions not stated): ExAC 0.00001; gnomAD 0.00001; gnomAD exomes 0.00002; TOPMed 0.00002.
gnomAD v4.1: 30 of 1,614,052 alleles (0.0019%); highest among the groups gnomAD compares: Middle Eastern, 0.016%; no homozygotes.

Submissions (5):

PreventionGenetics, part of Exact Sciences
Classification: Likely benign for KMT2D-related condition. Last evaluated: 2026-07-25. Review status: criteria provided, single submitter. Criteria: ACMG Guidelines, 2015. Collection method: clinical testing. Allele origin: germline.
Comment: This variant is classified as likely benign based on ACMG/AMP sequence variant interpretation guidelines (Richards et al. 2015 PMID: 25741868, with internal and published modifications).

Labcorp Genetics (formerly Invitae), Labcorp
Classification: Benign for Kabuki syndrome. Last evaluated: 2024-08-05. Review status: criteria provided, single submitter. Criteria: Invitae Variant Classification Sherloc (09022015). Collection method: clinical testing. Allele origin: germline.

GeneDx
Classification: Likely benign. Last evaluated: 2020-02-13. Review status: criteria provided, single submitter. Criteria: GeneDx Variant Classification Process June 2021. Collection method: clinical testing. Allele origin: germline. Affected: yes.

Athena Diagnostics
Classification: Uncertain significance. Last evaluated: 2018-12-28. Review status: criteria provided, single submitter. Criteria: Athena Diagnostics Criteria. Collection method: clinical testing. Allele origin: germline.

Genetic Services Laboratory, University of Chicago
Classification: Likely benign. Last evaluated: 2018-05-23. Review status: criteria provided, single submitter. Criteria: ACMG Guidelines, 2015. Collection method: clinical testing. Allele origin: germline. Affected: no.

NM_003482.4(KMT2D):c.14972G>A (p.Arg4991Gln)

Gene: KMT2D (lysine methyltransferase 2D; minus strand). Cytogenetic location: 12q13.12.
Variant type: single nucleotide variant.
Coding change: c.14972G>A on transcript NM_003482.4 (MANE Select); coding-DNA position 14972, G replaced by A.
Protein change: p.Arg4991Gln; replaces arginine 4991 with glutamine.
Molecular consequence: missense variant.
Genome position (GRCh38, 1-based): chr12:49,026,994, C>T on the plus strand (G>A on the coding strand, the complement: KMT2D is on the minus strand). VCF-style: chr12-49026994-C-T. GRCh37 (hg19) VCF-style: chr12-49420777-C-T.
Other names: short protein forms R4991Q.
Identifiers: ClinVar variation 805011 (VCV000805011.16), dbSNP rs761108868, ClinGen allele CA6545625.